The following is an entry in ClinVar:

ClinVar aggregate classification (germline): Uncertain significance (1 of 4 stars; one submission).

Submission:

Mayo Clinic Laboratories, Mayo Clinic
Classification: Uncertain significance. Last evaluated: 2025-10-19. Review status: criteria provided, single submitter. Criteria: ACMG Guidelines, 2015. Collection method: clinical testing. Allele origin: germline. Observed: 1 variant allele.
Comment: PM2_supporting

NM_001267550.2(TTN):c.68470G>A (p.Ala22824Thr)

Genes: TTN (titin; minus strand), TTN-AS1 (TTN antisense RNA 1; plus strand). Cytogenetic location: 2q31.2.
Variant type: single nucleotide variant.
Coding change: c.68470G>A on transcript NM_001267550.2 (MANE Select); coding-DNA position 68470, G replaced by A.
Protein change: p.Ala22824Thr; replaces alanine 22824 with threonine.
Molecular consequence: missense variant.
Genome position (GRCh38, 1-based): chr2:178,578,045, C>T on the plus strand (G>A on the coding strand, the complement: TTN is on the minus strand). VCF-style: chr2-178578045-C-T. GRCh37 (hg19) VCF-style: chr2-179442772-C-T.
Other names: p.Ala20256Thr; c.63547G>A, p.Ala21183Thr (NM_001256850.1); c.41275G>A, p.Ala13759Thr (NM_003319.4); c.60766G>A, p.Ala20256Thr (NM_133378.4); c.41650G>A, p.Ala13884Thr (NM_133432.3); c.41851G>A, p.Ala13951Thr (NM_133437.4); short protein forms A13951T, A22824T, A13759T, A13884T, A20256T, A21183T.
Identifiers: ClinVar variation 4540724 (VCV004540724.1).